The following is an entry in ClinVar:

NM_001009999.3(KDM1A):c.1996C>A (p.Pro666Thr)

Gene: KDM1A (lysine demethylase 1A; plus strand). Cytogenetic location: 1p36.12.
Variant type: single nucleotide variant.
Coding change: c.1996C>A on transcript NM_001009999.3 (MANE Select); coding-DNA position 1996, C replaced by A.
Protein change: p.Pro666Thr; replaces proline 666 with threonine.
Molecular consequence: missense variant.
Genome position (GRCh38, 1-based): chr1:23,079,118, C>A. VCF-style: chr1-23079118-C-A. GRCh37 (hg19) VCF-style: chr1-23405611-C-A.
Other names: c.1942C>A, p.Pro648Thr (NM_001363654.2); c.2002C>A, p.Pro668Thr (NM_001410762.1); c.1924C>A, p.Pro642Thr (NM_001410763.1, NM_015013.4); short protein forms P642T, P648T, P666T, P668T.
Identifiers: ClinVar variation 3863198 (VCV003863198.1).
Genomic context (GRCh38, chr1:23,079,118, plus strand): 5'-CTCTGTACCCTTCCCCTGGGTGTGCTGAAGCAGCAGCCACCAGCCGTTCAGTTTGTGCCA[C>A]CTCTCCCTGAGTGGAAAACATCTGCAGTCCAAAGGATGGGATTTGGCAACCTTAACAAGG-3'
Protein context (NP_001009999.1, residues 656-676): QQPPAVQFVP[Pro666Thr]LPEWKTSAVQ

ClinVar aggregate classification (germline): Uncertain significance (1 of 4 stars; one submission).

Conditions:
Inborn genetic diseases. Identifiers: MedGen C0950123, MeSH D030342.

Submission:

Ambry Genetics
Classification: Uncertain significance for Inborn genetic diseases. Last evaluated: 2024-12-12. Review status: criteria provided, single submitter. Criteria: Ambry Variant Classification Scheme 2023. Collection method: clinical testing. Allele origin: germline.
Comment: The p.P666T variant (also known as c.1996C>A), located in coding exon 17 of the KDM1A gene, results from a C to A substitution at nucleotide position 1996. The proline at codon 666 is replaced by threonine, an amino acid with highly similar properties. This amino acid position is conserved. In addition, this alteration is predicted to be deleterious by in silico analysis. Based on the available evidence, the clinical significance of this variant remains unclear.